The following is an entry in ClinVar:

ClinVar aggregate classification (germline): Uncertain significance (1 of 4 stars; one submission).

Submission:

GeneDx
Classification: Uncertain significance. Last evaluated: 2022-03-07. Review status: criteria provided, single submitter. Criteria: GeneDx Variant Classification Process June 2021. Collection method: clinical testing. Allele origin: germline. Affected: yes.
Comment: Not observed at significant frequency in large population cohorts (gnomAD); In silico analysis supports that this missense variant has a deleterious effect on protein structure/function; Has not been previously published as pathogenic or benign to our knowledge

NM_005157.6(ABL1):c.188C>T (p.Pro63Leu)

Gene: ABL1 (ABL proto-oncogene 1, non-receptor tyrosine kinase; plus strand). Cytogenetic location: 9q34.12.
Variant type: single nucleotide variant.
Coding change: c.188C>T on transcript NM_005157.6 (MANE Select); coding-DNA position 188, C replaced by T.
Protein change: p.Pro63Leu; replaces proline 63 with leucine.
Molecular consequence: missense variant.
Genome position (GRCh38, 1-based): chr9:130,854,172, C>T. VCF-style: chr9-130854172-C-T. GRCh37 (hg19) VCF-style: chr9-133729559-C-T.
Other names: c.245C>T, p.Pro82Leu (NM_007313.3); short protein forms P63L, P82L.
Identifiers: ClinVar variation 1704865 (VCV001704865.2), dbSNP rs2132956429, ClinGen allele CA375256958.